The following is an entry in ClinVar:

ClinVar aggregate classification (germline): Uncertain significance (1 of 4 stars; one submission).

Submission:

GeneDx
Classification: Uncertain significance. Last evaluated: 2026-03-02. Review status: criteria provided, single submitter. Criteria: GeneDx Variant Classification Process June 2021. Collection method: clinical testing. Allele origin: germline.
Comment: Not observed at significant frequency in large population cohorts (gnomAD); Frameshift variant predicted to result in abnormal protein length as the last 14 amino acid(s) are replaced with 18 different amino acid(s); Has not been previously published as pathogenic or benign to our knowledge

NM_012281.3(KCND2):c.1850_1851del (p.Pro617fs)

Gene: KCND2 (potassium voltage-gated channel subfamily D member 2; plus strand). Cytogenetic location: 7q31.31.
Variant type: Deletion.
Coding change: c.1850_1851del on transcript NM_012281.3 (MANE Select); coding-DNA positions 1850 to 1851, 2 bases deleted (CT; older notation c.1850_1851delCT).
Protein change: p.Pro617fs; shifts the reading frame from proline 617.
Molecular consequence: frameshift variant.
Genome position (GRCh38, 1-based): chr7:120,747,815-120,747,816, CT deleted. VCF-style (leftmost placement, unchanged base first): chr7-120747814-CCT-C. GRCh37 (hg19) VCF-style: chr7-120387868-CCT-C.
Other names: short protein forms P617fs.
Identifiers: ClinVar variation 5008134 (VCV005008134.1).